The following is an entry in ClinVar:

ClinVar aggregate classification (germline): Pathogenic/Likely pathogenic. Review status: criteria provided, multiple submitters, no conflicts (2 of 4 stars). 6 submissions from 6 submitters: Pathogenic (5); Likely pathogenic (1). Last evaluated 2026-09-14.

Conditions:
Renal tubulopathies.
SLC12A3-related disorder. Also called: SLC12A3-related condition.
Familial hypokalemia-hypomagnesemia (GTLMNS). Also called: HYPOMAGNESEMIA-HYPOKALEMIA, PRIMARY RENOTUBULAR, WITH HYPOCALCIURIA; POTASSIUM AND MAGNESIUM DEPLETION; gitelman syndrome. Identifiers: Orphanet 358, MedGen C0268450, MONDO:0009904, OMIM 263800.

Allele frequency attached by ClinVar (database versions not stated): gnomAD exomes below 0.00001.
gnomAD v4.1: 27 of 1,613,982 alleles (0.0017%); highest among the groups gnomAD compares: East Asian, 0.0022%; no homozygotes.

Submissions (6):

Genetics Laboratory, Great Ormond Street Hospital NHS Foundation Trust, North Thames Genomic Laboratory Hub
Classification: Pathogenic for Renal tubulopathies. Last evaluated: 2026-09-14. Review status: criteria provided, single submitter. Criteria: ACGS Best Practice Guidelines for Variant Classification in Rare Disease 2024 v1.2. Collection method: clinical testing. Allele origin: germline. Affected: yes.
Comment: PM2_moderate, PVS1_very-strong, PP4_supporting

Labcorp Genetics (formerly Invitae), Labcorp
Classification: Pathogenic. Last evaluated: 2025-11-01. Review status: criteria provided, single submitter. Criteria: Invitae Variant Classification Sherloc (09022015). Collection method: clinical testing. Allele origin: germline.
Comment: This sequence change creates a premature translational stop signal (p.Arg896*) in the SLC12A3 gene. It is expected to result in an absent or disrupted protein product. Loss-of-function variants in SLC12A3 are known to be pathogenic (PMID: 20848653, 22009145, 25841442). This variant is present in population databases (rs747383768, gnomAD 0.003%). This premature translational stop signal has been observed in individual(s) with Gitelman syndrome (PMID: 18391953, 30596175, 31672324). ClinVar contains an entry for this variant (Variation ID: 1338995). For these reasons, this variant has been classified as Pathogenic.

Revvity Omics, Revvity
Classification: Pathogenic for Familial hypokalemia-hypomagnesemia. Last evaluated: 2024-02-09. Review status: criteria provided, single submitter. Criteria: ACMG Guidelines, 2015. Collection method: clinical testing. Allele origin: germline.

Fulgent Genetics
Classification: Pathogenic for Familial hypokalemia-hypomagnesemia. Last evaluated: 2024-02-07. Review status: criteria provided, single submitter. Criteria: ACMG Guidelines, 2015. Collection method: clinical testing. Allele origin: germline.

Blueprint Genetics
Classification: Pathogenic for SLC12A3-related disorders. Last evaluated: 2019-07-25. Review status: criteria provided, single submitter. Criteria: ACMG Guidelines, 2015. Collection method: clinical testing. Allele origin: germline. Affected: yes. Observed: 2 variant alleles.

Neuberg Centre For Genomic Medicine, NCGM
Classification: Likely pathogenic for Familial hypokalemia-hypomagnesemia. Review status: criteria provided, single submitter. Criteria: ACMG Guidelines, 2015. Collection method: clinical testing. Allele origin: germline. Affected: yes.
Comment: The stop gained p.R896* in SLC12A3 (NM_000339.3) has not been reported previously as a pathogenic variant nor as a benign variant, to our knowledge. The p.R896* variant is observed in 1/30,616 (0.0033%) alleles from individuals of South Asian background in gnomAD Exomes and is novel (not in any individuals) in 1000 Genomes. This variant is predicted to cause loss of normal protein function through protein truncation.Loss of function mutations have been previously reported to be disease causing. For these reasons, this variant has been classified as Likely Pathogenic

Literature cited by the submitters: PubMed 20848653 (cited by Labcorp Genetics (formerly Invitae), Labcorp); PubMed 22009145 (cited by Labcorp Genetics (formerly Invitae), Labcorp); PubMed 25841442 (cited by Labcorp Genetics (formerly Invitae), Labcorp); PubMed 18391953 (cited by Labcorp Genetics (formerly Invitae), Labcorp); PubMed 30596175 (cited by Labcorp Genetics (formerly Invitae), Labcorp); PubMed 31672324 (cited by Labcorp Genetics (formerly Invitae), Labcorp).

NM_001126108.2(SLC12A3):c.2659C>T (p.Arg887Ter)

Gene: SLC12A3 (solute carrier family 12 member 3; plus strand). Cytogenetic location: 16q13.
Variant type: single nucleotide variant.
Coding change: c.2659C>T on transcript NM_001126108.2 (MANE Select); coding-DNA position 2659, C replaced by T.
Protein change: p.Arg887Ter; replaces arginine 887 with a stop codon.
Molecular consequence: nonsense.
Genome position (GRCh38, 1-based): chr16:56,899,555, C>T. VCF-style: chr16-56899555-C-T. GRCh37 (hg19) VCF-style: chr16-56933467-C-T.
Other names: c.2686C>T, p.Arg896Ter (NM_000339.3); c.2683C>T, p.Arg895Ter (NM_001126107.2); short protein forms R887*, R895*, R896*.
Identifiers: ClinVar variation 1338995 (VCV001338995.8), dbSNP rs747383768, ClinGen allele CA281516341.